The following is an entry in ClinVar:

NM_001384140.1(PCDH15):c.3509_3520del (p.Asp1170_Thr1173del)

Gene: PCDH15 (protocadherin related 15; minus strand). Cytogenetic location: 10q21.1.
Variant type: Deletion.
Coding change: c.3509_3520del on transcript NM_001384140.1 (MANE Select); coding-DNA positions 3509 to 3520, 12 bases deleted (ATAAAGATACTG).
Protein change: p.Asp1170_Thr1173del.
Molecular consequence: inframe deletion. On other transcripts: inframe indel (1).
Genome position (GRCh38, 1-based): chr10:53,866,839-53,866,850, CAGTATCTTTAT deleted on the plus strand (ATAAAGATACTG on the coding strand, the reverse complement: PCDH15 is on the minus strand); deleting any 12 consecutive bases within chr10:53,866,839-53,866,855 gives the same sequence; the c. name uses the placement nearest the transcript's 3' end. VCF-style (leftmost placement, unchanged base first): chr10-53866838-CCAGTATCTTTAT-C. GRCh37 (hg19) VCF-style: chr10-55626598-CCAGTATCTTTAT-C.
Other names: c.3524_3535del, p.Asp1175_Thr1178del (NM_001142763.2, NM_001142771.2); c.3509_3520del, p.Asp1170_Thr1173del (NM_001142764.2, NM_001142766.2, NM_001142770.3 and 4 more transcripts); c.3296_3307del, p.Asp1099_Thr1102del (NM_001142765.2); c.3398_3409del, p.Asp1133_Thr1136del (NM_001142767.2); c.3443_3454del, p.Asp1148_Thr1151del (NM_001142768.2, NM_001142773.2, NM_001354404.2); c.3540_3551delTACTGATAAAGA, p.Asp1182_Thr1185del (NM_001142769.4); c.3530_3541del, p.Asp1177_Thr1180del (NM_001354411.2).
Identifiers: ClinVar variation 2182978 (VCV002182978.4), dbSNP rs2493339525, ClinGen allele CA2574550200.

ClinVar aggregate classification (germline): Uncertain significance (1 of 4 stars; one submission).

Submission:

Labcorp Genetics (formerly Invitae), Labcorp
Classification: Uncertain significance. Last evaluated: 2025-04-10. Review status: criteria provided, single submitter. Criteria: Invitae Variant Classification Sherloc (09022015). Collection method: clinical testing. Allele origin: germline.
Comment: This variant, c.3509_3520del, results in the deletion of 4 amino acid(s) of the PCDH15 protein (p.Asp1170_Thr1173del), but otherwise preserves the integrity of the reading frame. This variant is not present in population databases (gnomAD no frequency). This variant has not been reported in the literature in individuals affected with PCDH15-related conditions. ClinVar contains an entry for this variant (Variation ID: 2182978). Experimental studies and prediction algorithms are not available or were not evaluated, and the functional significance of this variant is currently unknown. In summary, the available evidence is currently insufficient to determine the role of this variant in disease. Therefore, it has been classified as a Variant of Uncertain Significance.